The following is an entry in ClinVar:

ClinVar aggregate classification (germline): Uncertain significance. Review status: criteria provided, multiple submitters, no conflicts (2 of 4 stars). 3 submissions from 3 submitters: Uncertain significance (2). 1 of the submissions does not count toward it. Last evaluated 2026-01-14.

Conditions:
Inborn genetic diseases. Identifiers: MedGen C0950123, MeSH D030342.

Allele frequency attached by ClinVar (database versions not stated): gnomAD exomes 0.00001; gnomAD 0.00002; TOPMed 0.00009.
gnomAD v4.1: 24 of 1,572,964 alleles (0.0015%); highest among the groups gnomAD compares: Admixed American, 0.0056%; no homozygotes.

Submissions (3):

Ambry Genetics
Classification: Uncertain significance for Inborn genetic diseases. Last evaluated: 2026-01-14. Review status: criteria provided, single submitter. Criteria: Ambry Variant Classification Scheme 2023. Collection method: clinical testing. Allele origin: germline.

GeneDx
Classification: Uncertain significance. Last evaluated: 2023-01-18. Review status: criteria provided, single submitter. Criteria: GeneDx Variant Classification Process June 2021. Collection method: clinical testing. Allele origin: germline. Affected: yes.
Comment: Not observed at significant frequency in large population cohorts (gnomAD); In silico analysis supports that this missense variant does not alter protein structure/function; Has not been previously published as pathogenic or benign to our knowledge

Genetic Services Laboratory, University of Chicago
Classification: Uncertain significance. Last evaluated: 2022-12-20. Review status: no assertion criteria provided. Collection method: clinical testing. Allele origin: germline. Affected: no. Not counted in ClinVar's aggregate classification.
Comment: DNA sequence analysis of the PKD1 gene demonstrated a sequence change, c.3568C>T, in exon 15 that results in an amino acid change, p.Arg1190Cys. This sequence change has been described in the gnomAD database in one individual corresponding to a population frequency of 0.0006% (dbSNP rs929457769). The p.Arg1190Cys change affects a poorly conserved amino acid residue located in a domain of the PKD1 protein that is known to be functional. The p.Arg1190Cys substitution appears to be benign using several in-silico pathogenicity prediction tools (SIFT, PolyPhen2, Align GVGD, REVEL). This sequence change does not appear to have been previously described in individuals with PKD1-related disorders. Due to insufficient evidences and the lack of functional studies, the clinical significance of the p.Arg1190Cys change remains unknown at this time.

NM_001009944.3(PKD1):c.3568C>T (p.Arg1190Cys)

Gene: PKD1 (polycystin 1, transient receptor potential channel interacting; minus strand). Cytogenetic location: 16p13.3.
Variant type: single nucleotide variant.
Coding change: c.3568C>T on transcript NM_001009944.3 (MANE Select); coding-DNA position 3568, C replaced by T.
Protein change: p.Arg1190Cys; replaces arginine 1190 with cysteine.
Molecular consequence: missense variant.
Genome position (GRCh38, 1-based): chr16:2,111,599, G>A on the plus strand (C>T on the coding strand, the complement: PKD1 is on the minus strand). VCF-style: chr16-2111599-G-A. GRCh37 (hg19) VCF-style: chr16-2161600-G-A.
Other names: c.3568C>T, p.Arg1190Cys (NM_000296.4); c.3568C>T (NM_000296.3); short protein forms R1190C.
Identifiers: ClinVar variation 2443215 (VCV002443215.5), dbSNP rs929457769, ClinGen allele CA276781901.